The following is an entry in ClinVar:

ClinVar aggregate classification (germline): Likely pathogenic (1 of 4 stars; one submission).

Conditions:
F11-related disorder. Also called: F11-related condition.

Submission:

PreventionGenetics, part of Exact Sciences
Classification: Likely pathogenic for F11-related condition. Last evaluated: 2023-09-02. Review status: criteria provided, single submitter. Criteria: ACMG Guidelines, 2015. Collection method: clinical testing. Allele origin: germline.
Comment: The F11 c.1577-1G>C variant is predicted to disrupt the AG splice acceptor site and interfere with normal splicing. To our knowledge, this variant has not been reported in the literature or in a large population database, indicating this variant is rare. Variants that disrupt the consensus splice acceptor site in F11 are expected to be pathogenic. This variant is interpreted as likely pathogenic.

NM_000128.4(F11):c.1577-1G>C

Genes: F11 (coagulation factor XI; plus strand), F11-AS1 (F11 antisense RNA 1; minus strand). Cytogenetic location: 4q35.2.
Variant type: single nucleotide variant.
Coding change: c.1577-1G>C on transcript NM_000128.4 (MANE Select); the canonical splice acceptor site of the intron before coding-DNA position 1577, G replaced by C.
Molecular consequence: splice acceptor variant.
Genome position (GRCh38, 1-based): chr4:186,287,683, G>C. VCF-style: chr4-186287683-G-C. GRCh37 (hg19) VCF-style: chr4-187208837-G-C.
Identifiers: ClinVar variation 2632230 (VCV002632230.1), dbSNP rs2477435655, ClinGen allele CA358945443.
Genomic context (GRCh38, chr4:186,287,683, plus strand): 5'-TATATGTTTATGTGTATTGTGTATGGTTATTCTACAAACGAACCAAAAAAATTTTTTTCA[G>C]ACAAAATACAAAATACTCTCCAGAAAGCCAAGATACCCTTAGTGACCAACGAAGAGTGCC-3'